The following is an entry in ClinVar:

ClinVar aggregate classification (germline): Uncertain significance (1 of 4 stars; one submission).

Conditions:
Hyper-IgM syndrome type 5 (HIGM5). Also called: Hyper-IgM Immunodeficiency Syndrome, Type 5. Identifiers: Orphanet 101092, MedGen C1720958, MONDO:0011971, OMIM 608106.

Allele frequency attached by ClinVar (database versions not stated): gnomAD exomes 0.00001.
gnomAD v4.1: 3 of 1,614,214 alleles (0.00019%); highest among the groups gnomAD compares: Admixed American, 0.005%; no homozygotes.

Submission:

Labcorp Genetics (formerly Invitae), Labcorp
Classification: Uncertain significance for Hyper-IgM syndrome type 5. Last evaluated: 2022-07-26. Review status: criteria provided, single submitter. Criteria: Invitae Variant Classification Sherloc (09022015). Collection method: clinical testing. Allele origin: germline.
Comment: This sequence change replaces serine, which is neutral and polar, with phenylalanine, which is neutral and non-polar, at codon 225 of the UNG protein (p.Ser225Phe). This variant is present in population databases (no rsID available, gnomAD 0.003%). This variant has not been reported in the literature in individuals affected with UNG-related conditions. Algorithms developed to predict the effect of missense changes on protein structure and function are either unavailable or do not agree on the potential impact of this missense change (SIFT: "Deleterious"; PolyPhen-2: "Probably Damaging"; Align-GVGD: "Class C15"). In summary, the available evidence is currently insufficient to determine the role of this variant in disease. Therefore, it has been classified as a Variant of Uncertain Significance.

NM_080911.3(UNG):c.674C>T (p.Ser225Phe)

Gene: UNG (uracil DNA glycosylase; plus strand). Cytogenetic location: 12q24.11.
Variant type: single nucleotide variant.
Coding change: c.674C>T on transcript NM_080911.3 (MANE Select); coding-DNA position 674, C replaced by T.
Protein change: p.Ser225Phe; replaces serine 225 with phenylalanine.
Molecular consequence: missense variant.
Genome position (GRCh38, 1-based): chr12:109,103,484, C>T. VCF-style: chr12-109103484-C-T. GRCh37 (hg19) VCF-style: chr12-109541289-C-T.
Other names: c.647C>T, p.Ser216Phe (NM_003362.4); short protein forms S216F, S225F.
Identifiers: ClinVar variation 2139290 (VCV002139290.2), dbSNP rs1237858403, ClinGen allele CA386473576.
Genomic context (GRCh38, chr12:109,103,484, plus strand): 5'-TGTGTATAGGTGTTCTCCTTCTCAACGCTGTCCTCACGGTTCGTGCCCATCAAGCCAACT[C>T]TCATAAGGAGCGAGGCTGGGAGCAGTTCACTGATGCAGTTGTGTCCTGGCTAAATCAGAA-3'
Protein context (NP_550433.1, residues 215-235): VLTVRAHQAN[Ser225Phe]HKERGWEQFT